The following is an entry in ClinVar:

NM_000829.4(GRIA4):c.52C>G (p.Leu18Val)

Genes: GRIA4 (glutamate ionotropic receptor AMPA type subunit 4; plus strand), LOC129390350 (MPRA-validated peak1445 silencer; plus strand). Cytogenetic location: 11q22.3.
Variant type: single nucleotide variant.
Coding change: c.52C>G on transcript NM_000829.4 (MANE Select); coding-DNA position 52, C replaced by G.
Protein change: p.Leu18Val; replaces leucine 18 with valine.
Molecular consequence: missense variant. On other transcripts: non-coding transcript variant (1).
Genome position (GRCh38, 1-based): chr11:105,611,049, C>G. VCF-style: chr11-105611049-C-G. GRCh37 (hg19) VCF-style: chr11-105481776-C-G.
Other names: c.52C>G, p.Leu18Val (NM_001077243.3, NM_001077244.2, NM_001112812.2); short protein forms L18V.
Identifiers: ClinVar variation 3048830 (VCV003048830.4), dbSNP rs79495463, ClinGen allele CA6258274.

ClinVar aggregate classification (germline): Conflicting classifications of pathogenicity. Review status: criteria provided, conflicting classifications (1 of 4 stars). 3 submissions from 3 submitters: Uncertain significance (1); Likely benign (1). 1 of the submissions does not count toward it. Last evaluated 2025-01-24.

Conditions:
GRIA4-related disorder. Also called: GRIA4-related condition.
Inborn genetic diseases. Identifiers: MedGen C0950123, MeSH D030342.

Allele frequency attached by ClinVar (database versions not stated): ExAC 0.00041; ESP Exome Variant Server 0.00100; gnomAD 0.00123; TOPMed 0.00129; 1000 Genomes Project 0.00200; 1000 Genomes Project 30x 0.00265.
gnomAD v4.1: 368 of 1,613,666 alleles (0.023%); highest among the groups gnomAD compares: African/African-American, 0.37%; no homozygotes.

Submissions (3):

Ambry Genetics
Classification: Uncertain significance for Inborn genetic diseases. Last evaluated: 2025-01-24. Review status: criteria provided, single submitter. Criteria: Ambry Variant Classification Scheme 2023. Collection method: clinical testing. Allele origin: germline.

Blueprint Genetics
Classification: Likely benign. Last evaluated: 2024-06-28. Review status: criteria provided, single submitter. Criteria: ACMG Guidelines, 2015. Collection method: clinical testing. Allele origin: germline.

PreventionGenetics, part of Exact Sciences
Classification: Likely benign for GRIA4-related condition. Last evaluated: 2019-12-23. Review status: no assertion criteria provided. Collection method: clinical testing. Allele origin: germline. Not counted in ClinVar's aggregate classification.
Comment: This variant is classified as likely benign based on ACMG/AMP sequence variant interpretation guidelines (Richards et al. 2015 PMID: 25741868, with internal and published modifications).